The following is an entry in ClinVar:

NM_138348.6(OTULIN):c.624T>C (p.Ala208=)

Gene: OTULIN (OTU deubiquitinase with linear linkage specificity; plus strand). Cytogenetic location: 5p15.2.
Variant type: single nucleotide variant.
Coding change: c.624T>C on transcript NM_138348.6 (MANE Select); coding-DNA position 624, T replaced by C.
Protein change: p.Ala208=; no amino-acid change (alanine 208 retained).
Molecular consequence: synonymous variant.
Genome position (GRCh38, 1-based): chr5:14,690,068, T>C. VCF-style: chr5-14690068-T-C. GRCh37 (hg19) VCF-style: chr5-14690177-T-C.
Identifiers: ClinVar variation 1646280 (VCV001646280.21), dbSNP rs2126333651, ClinGen allele CA443290185.

ClinVar aggregate classification (germline): Likely benign. Review status: criteria provided, multiple submitters, no conflicts (2 of 4 stars). 2 submissions from 2 submitters: Likely benign (2). Last evaluated 2025-07-20.

Allele frequency attached by ClinVar (database versions not stated): gnomAD exomes below 0.00001.
gnomAD v4.1: 1 of 1,614,102 alleles (0.000062%); highest among the groups gnomAD compares: Admixed American, 0.0017%; no homozygotes.

Submissions (2):

Labcorp Genetics (formerly Invitae), Labcorp
Classification: Likely benign. Last evaluated: 2025-07-20. Review status: criteria provided, single submitter. Criteria: Invitae Variant Classification Sherloc (09022015). Collection method: clinical testing. Allele origin: germline.

CeGaT Center for Human Genetics Tuebingen
Classification: Likely benign. Last evaluated: 2024-12-01. Review status: criteria provided, single submitter. Criteria: CeGaT Center For Human Genetics Tuebingen Variant Classification Criteria Version 2. Collection method: clinical testing. Allele origin: germline. Affected: yes. Observed: 1 variant allele.
Comment: OTULIN: BP4, BP7